The following is an entry in ClinVar:

ClinVar aggregate classification (germline): Likely pathogenic. Review status: criteria provided, single submitter (1 of 4 stars). 2 submissions from 2 submitters: Likely pathogenic (1). 1 of the submissions does not count toward it. Last evaluated 2025-10-29.

Conditions:
Spondylocostal dysostosis 2, autosomal recessive (SCDO2). Also called: MESP2-Related Spondylocostal Dysostosis, Autosomal Recessive; Spondylocostal dysostosis type 2. Identifiers: Orphanet 2311, MedGen C1837549, MONDO:0012097, OMIM 608681.

Allele frequency attached by ClinVar (database versions not stated): gnomAD exomes below 0.00001.

Submissions (2):

Natera, Inc.
Classification: Likely pathogenic for Spondylocostal dysostosis type 2. Last evaluated: 2025-10-29. Review status: criteria provided, single submitter. Criteria: Natera Variant Classification Schema (03/2026). Collection method: clinical testing. Allele origin: germline.
Comment: The c.586C>T variant in MESP2 is a nonsense variant predicted to introduce a stop codon at amino acid 196. This variant is expected to result in nonsense mediated decay, truncation, or a dysfunctional protein product. This variant is rare in the general population with a frequency below the threshold expected for the associated phenotype(s). Given the available evidence, this variant is classified as Likely Pathogenic.

Counsyl
Classification: Likely pathogenic for Spondylocostal dysostosis 2, autosomal recessive. Last evaluated: 2018-03-09. Review status: no assertion criteria provided. Collection method: clinical testing. Allele origin: unknown. Not counted in ClinVar's aggregate classification.

NM_001039958.2(MESP2):c.586C>T (p.Gln196Ter)

Gene: MESP2 (mesoderm posterior bHLH transcription factor 2; plus strand). Cytogenetic location: 15q26.1.
Variant type: single nucleotide variant.
Coding change: c.586C>T on transcript NM_001039958.2 (MANE Select); coding-DNA position 586, C replaced by T.
Protein change: p.Gln196Ter; replaces glutamine 196 with a stop codon.
Molecular consequence: nonsense.
Genome position (GRCh38, 1-based): chr15:89,776,943, C>T. VCF-style: chr15-89776943-C-T. GRCh37 (hg19) VCF-style: chr15-90320174-C-T.
Other names: short protein forms Q196*.
Identifiers: ClinVar variation 556996 (VCV000556996.3), dbSNP rs1555439118, ClinGen allele CA393772519.